The following is an entry in ClinVar:

NM_000199.5(SGSH):c.1232T>C (p.Leu411Pro)

Gene: SGSH (N-sulfoglucosamine sulfohydrolase; minus strand). Cytogenetic location: 17q25.3.
Variant type: single nucleotide variant.
Coding change: c.1232T>C on transcript NM_000199.5 (MANE Select); coding-DNA position 1232, T replaced by C.
Protein change: p.Leu411Pro; replaces leucine 411 with proline.
Molecular consequence: missense variant. On other transcripts: 3 prime UTR variant (2), non-coding transcript variant (1).
Genome position (GRCh38, 1-based): chr17:80,210,729, A>G on the plus strand (T>C on the coding strand, the complement: SGSH is on the minus strand). VCF-style: chr17-80210729-A-G. GRCh37 (hg19) VCF-style: chr17-78184528-A-G.
Other names: c.*319T>C (NM_001352921.3); c.*282T>C (NM_001352922.2); short protein forms L411P.
Identifiers: ClinVar variation 3906112 (VCV003906112.10).

ClinVar aggregate classification (germline): Likely pathogenic (1 of 4 stars; one submission).

Submission:

CeGaT Center for Human Genetics Tuebingen
Classification: Likely pathogenic. Last evaluated: 2025-05-01. Review status: criteria provided, single submitter. Criteria: CeGaT Center For Human Genetics Tuebingen Variant Classification Criteria Version 2. Collection method: clinical testing. Allele origin: germline. Affected: yes. Observed: 2 variant alleles.
Comment: SGSH: PM2, PM5, PM3:Supporting, PP3